The following is an entry in ClinVar:

ClinVar aggregate classification (germline): Likely benign (1 of 4 stars; one submission).

Allele frequency attached by ClinVar (database versions not stated): TOPMed below 0.00001; gnomAD 0.00001; gnomAD exomes 0.00002.
gnomAD v4.1: 27 of 1,575,374 alleles (0.0017%); highest among the groups gnomAD compares: Non-Finnish European, 0.0023%; no homozygotes.

Submission:

CeGaT Center for Human Genetics Tuebingen
Classification: Likely benign. Last evaluated: 2023-06-01. Review status: criteria provided, single submitter. Criteria: CeGaT Center For Human Genetics Tuebingen Variant Classification Criteria Version 2. Collection method: clinical testing. Allele origin: germline. Affected: yes. Observed: 1 variant allele.
Comment: RTTN: BP4, BP7

NM_173630.4(RTTN):c.399A>G (p.Glu133=)

Gene: RTTN (rotatin; minus strand). Cytogenetic location: 18q22.2.
Variant type: single nucleotide variant.
Coding change: c.399A>G on transcript NM_173630.4 (MANE Select); coding-DNA position 399, A replaced by G.
Protein change: p.Glu133=; no amino-acid change (glutamic acid 133 retained).
Molecular consequence: synonymous variant. On other transcripts: 5 prime UTR variant (1).
Genome position (GRCh38, 1-based): chr18:70,201,982, T>C on the plus strand (A>G on the coding strand, the complement: RTTN is on the minus strand). VCF-style: chr18-70201982-T-C. GRCh37 (hg19) VCF-style: chr18-67869218-T-C.
Other names: c.-2155A>G (NM_001318520.2).
Identifiers: ClinVar variation 2648804 (VCV002648804.24), dbSNP rs1237728914, ClinGen allele CA504327420.
Genomic context (GRCh38, chr18:70,201,982, plus strand): 5'-CTGGAAATTACTTTTGTCTTGGGGAAAATATCCTGTTAAGATTTCAGGGTTTTTTGACAA[T>C]TCTGAAAAGGAAATAAACATTACTGTATTGTCGATTCCTTATTTGCTAAAAGTGAAACTT-3'
Protein context (NP_775901.3, residues 123-143): SSASYQTNQT[Glu133=]LSKNPEILTG